The following is an entry in ClinVar:

ClinVar aggregate classification (germline): Uncertain significance. Review status: criteria provided, multiple submitters, no conflicts (2 of 4 stars). 3 submissions from 3 submitters: Uncertain significance (2). 1 of the submissions does not count toward it. Last evaluated 2025-06-22.

Conditions:
Inborn genetic diseases. Identifiers: MedGen C0950123, MeSH D030342.

Allele frequency attached by ClinVar (database versions not stated): gnomAD exomes 0.00001; gnomAD 0.00003; TOPMed 0.00003.

Submissions (3):

Labcorp Genetics (formerly Invitae), Labcorp
Classification: Uncertain significance. Last evaluated: 2025-06-22. Review status: criteria provided, single submitter. Criteria: Invitae Variant Classification Sherloc (09022015). Collection method: clinical testing. Allele origin: germline.
Comment: This sequence change replaces glycine, which is neutral and non-polar, with glutamic acid, which is acidic and polar, at codon 672 of the AMER1 protein (p.Gly672Glu). The frequency data for this variant in the population databases is considered unreliable, as metrics indicate poor data quality at this position in the gnomAD database. This variant has not been reported in the literature in individuals affected with AMER1-related conditions. ClinVar contains an entry for this variant (Variation ID: 133497). An algorithm developed to predict the effect of missense changes on protein structure and function outputs the following: PolyPhen-2: "Benign". The glutamic acid amino acid residue is found in multiple mammalian species, which suggests that this missense change does not adversely affect protein function. In summary, the available evidence is currently insufficient to determine the role of this variant in disease. Therefore, it has been classified as a Variant of Uncertain Significance.

Ambry Genetics
Classification: Uncertain significance for Inborn genetic diseases. Last evaluated: 2024-06-02. Review status: criteria provided, single submitter. Criteria: Ambry Variant Classification Scheme 2023. Collection method: clinical testing. Allele origin: germline.

ITMI
No classification provided. Condition: AllHighlyPenetrant. Last evaluated: 2013-09-19. Review status: no classification provided. Collection method: reference population. Allele origin: germline. Not counted in ClinVar's aggregate classification.
Comment: Please see associated publication for description of ethnicities

Literature cited by the submitters: PubMed 24728327 (cited by ITMI).

NM_152424.4(AMER1):c.2015G>A (p.Gly672Glu)

Gene: AMER1 (APC membrane recruitment protein 1; minus strand). Cytogenetic location: Xq11.2.
Variant type: single nucleotide variant.
Coding change: c.2015G>A on transcript NM_152424.4 (MANE Select); coding-DNA position 2015, G replaced by A.
Protein change: p.Gly672Glu; replaces glycine 672 with glutamic acid.
Molecular consequence: missense variant.
Genome position (GRCh38, 1-based): chrX:64,191,272, C>T on the plus strand (G>A on the coding strand, the complement: AMER1 is on the minus strand). VCF-style: chrX-64191272-C-T. GRCh37 (hg19) VCF-style: chrX-63411152-C-T.
Other names: c.2015G>A (NM_152424.3); short protein forms G672E.
Identifiers: ClinVar variation 133497 (VCV000133497.4), dbSNP rs587778027, ClinGen allele CA156696.
Genomic context (GRCh38, chrX:64,191,272, plus strand): 5'-TCGCTGCTTGCAGTGGTGGGGAAAGCTGAGGTAATTCCCCGGTGGGAAATCTGAGAGGTC[C>T]CTGATACCCCTGCTGCCAGGCCCATCACTGATGGGCCTAAGGGCCTCATCTGATACTCTA-3'
Protein context (NP_689637.3, residues 662-682): SVMGLAAGVS[Gly672Glu]TSQISHRGIT